The following is an entry in ClinVar:

NM_004385.5(VCAN):c.5087C>A (p.Pro1696His)

Genes: VCAN (versican; plus strand), VCAN-AS1 (VCAN antisense RNA 1; minus strand). Cytogenetic location: 5q14.3.
Variant type: single nucleotide variant.
Coding change: c.5087C>A on transcript NM_004385.5 (MANE Select); coding-DNA position 5087, C replaced by A.
Protein change: p.Pro1696His; replaces proline 1696 with histidine.
Molecular consequence: missense variant. On other transcripts: intron variant (2).
Genome position (GRCh38, 1-based): chr5:83,538,090, C>A. VCF-style: chr5-83538090-C-A. GRCh37 (hg19) VCF-style: chr5-82833909-C-A.
Other names: c.2126C>A, p.Pro709His (NM_001164097.2); c.4004-7447C>A (NM_001164098.2); c.1043-7447C>A (NM_001126336.3); short protein forms P1696H, P709H.
Identifiers: ClinVar variation 4725096 (VCV004725096.1).

ClinVar aggregate classification (germline): Uncertain significance (1 of 4 stars; one submission).

Submission:

Labcorp Genetics (formerly Invitae), Labcorp
Classification: Uncertain significance. Last evaluated: 2025-08-09. Review status: criteria provided, single submitter. Criteria: Invitae Variant Classification Sherloc (09022015). Collection method: clinical testing. Allele origin: germline.
Comment: This sequence change replaces proline, which is neutral and non-polar, with histidine, which is basic and polar, at codon 1696 of the VCAN protein (p.Pro1696His). This variant is not present in population databases (gnomAD no frequency). This variant has not been reported in the literature in individuals affected with VCAN-related conditions. An algorithm developed to predict the effect of missense changes on protein structure and function (PolyPhen-2) suggests that this variant is likely to be disruptive. In summary, the available evidence is currently insufficient to determine the role of this variant in disease. Therefore, it has been classified as a Variant of Uncertain Significance.